The following is an entry in ClinVar:

NM_031935.3(HMCN1):c.1607G>C (p.Arg536Thr)

Gene: HMCN1 (hemicentin 1; plus strand). Cytogenetic location: 1q31.1.
Variant type: single nucleotide variant.
Coding change: c.1607G>C on transcript NM_031935.3 (MANE Select); coding-DNA position 1607, G replaced by C.
Protein change: p.Arg536Thr; replaces arginine 536 with threonine.
Molecular consequence: missense variant.
Genome position (GRCh38, 1-based): chr1:185,933,603, G>C. VCF-style: chr1-185933603-G-C. GRCh37 (hg19) VCF-style: chr1-185902735-G-C.
Other names: short protein forms R536T.
Identifiers: ClinVar variation 1955347 (VCV001955347.5), dbSNP rs763177925, ClinGen allele CA343866831.

ClinVar aggregate classification (germline): Uncertain significance (1 of 4 stars; one submission).

gnomAD v4.1: 2 of 1,613,986 alleles (0.00012%); highest among the groups gnomAD compares: South Asian, 0.0011%; no homozygotes.

Submission:

Labcorp Genetics (formerly Invitae), Labcorp
Classification: Uncertain significance. Last evaluated: 2022-08-12. Review status: criteria provided, single submitter. Criteria: Invitae Variant Classification Sherloc (09022015). Collection method: clinical testing. Allele origin: germline.
Comment: In summary, the available evidence is currently insufficient to determine the role of this variant in disease. Therefore, it has been classified as a Variant of Uncertain Significance. Algorithms developed to predict the effect of missense changes on protein structure and function output the following: SIFT: "Tolerated"; PolyPhen-2: "Benign"; Align-GVGD: "Class C0". The threonine amino acid residue is found in multiple mammalian species, which suggests that this missense change does not adversely affect protein function. This variant has not been reported in the literature in individuals affected with HMCN1-related conditions. This variant is present in population databases (no rsID available, gnomAD 0.006%). This sequence change replaces arginine, which is basic and polar, with threonine, which is neutral and polar, at codon 536 of the HMCN1 protein (p.Arg536Thr).